The following is an entry in ClinVar:

NM_004380.3(CREBBP):c.840del (p.Phe280fs)

Gene: CREBBP (CREB binding lysine acetyltransferase; minus strand). Cytogenetic location: 16p13.3.
Variant type: Deletion.
Coding change: c.840del on transcript NM_004380.3 (MANE Select); coding-DNA position 840, one base deleted (T; older notation c.840delT).
Protein change: p.Phe280fs; shifts the reading frame from phenylalanine 280.
Molecular consequence: frameshift variant.
Genome position (GRCh38, 1-based): chr16:3,810,738, A deleted on the plus strand (T on the coding strand, the reverse complement: CREBBP is on the minus strand); the first of 3 consecutive A bases (chr16:3,810,738-3,810,740); deleting any one gives the same sequence. VCF-style (leftmost placement, unchanged base first): chr16-3810737-TA-T. GRCh37 (hg19) VCF-style: chr16-3860738-TA-T.
Other names: c.840del, p.Phe280fs (NM_001079846.1); short protein forms F280fs.
Identifiers: ClinVar variation 4293756 (VCV004293756.1).
Genomic context (GRCh38, chr16:3,810,737, plus strand): 5'-GTTTGCTGGCTAACTGGGGGTTCACTCCAGTGGCTCCCATTGGCTGCCCTCCAGCTTGAC[TA>T]AAGGGCTGTCCAAATGGACTTGTGTTCCCAGTTATTCCCATCTGAAACAAAAAAGAGGTA-3'

ClinVar aggregate classification (germline): Likely pathogenic (1 of 4 stars; one submission).

Conditions:
Rubinstein-Taybi syndrome due to CREBBP mutations (RSTS1). Also called: RUBINSTEIN SYNDROME; RUBINSTEIN-TAYBI SYNDROME 1, INCOMPLETE; Rubinstein-Taybi syndrome 1; CREBBP-Related Rubinstein-Taybi Syndrome; BROAD THUMB-HALLUX SYNDROME; BROAD THUMBS AND GREAT TOES, CHARACTERISTIC FACIES, AND IMPAIRED INTELLECTUAL DEVELOPMENT. Identifiers: Orphanet 353277, Orphanet 783, MedGen C4551859, MONDO:0008393, OMIM 180849.

Submission:

3billion
Classification: Likely pathogenic for Rubinstein-Taybi syndrome due to CREBBP mutations. Last evaluated: 2024-11-15. Review status: criteria provided, single submitter. Criteria: ACMG Guidelines, 2015. Collection method: clinical testing. Allele origin: germline. Affected: yes.
Comment: The variant is not observed in the gnomAD v4.1.0 dataset. Predicted Consequence/Location: Frameshift: predicted to result in a loss or disruption of normal protein function through nonsense-mediated decay (NMD) or protein truncation. Multiple pathogenic variants are reported downstream of the variant. Therefore, this variant is classified as Likely pathogenic according to the recommendation of ACMG/AMP guideline.